The following is an entry in ClinVar:

ClinVar aggregate classification (germline): Uncertain significance (1 of 4 stars; one submission).

Conditions:
Hereditary cancer-predisposing syndrome. Also called: Hereditary Cancer Syndrome; Hereditary neoplastic syndrome; Neoplastic Syndromes, Hereditary; Tumor predisposition. Identifiers: Orphanet 140162, MedGen C0027672, MeSH D009386, MONDO:0015356.

Submission:

Ambry Genetics
Classification: Uncertain significance for Hereditary cancer-predisposing syndrome. Last evaluated: 2022-05-03. Review status: criteria provided, single submitter. Criteria: Ambry Variant Classification Scheme 2023. Collection method: clinical testing. Allele origin: germline.
Comment: The p.C461R variant (also known as c.1381T>C), located in coding exon 9 of the CTNNA1 gene, results from a T to C substitution at nucleotide position 1381. The cysteine at codon 461 is replaced by arginine, an amino acid with highly dissimilar properties. This amino acid position is conserved. In addition, this alteration is predicted to be deleterious by in silico analysis. Since supporting evidence is limited at this time, the clinical significance of this alteration remains unclear.

NM_001903.5(CTNNA1):c.1381T>C (p.Cys461Arg)

Gene: CTNNA1 (catenin alpha 1; plus strand). Cytogenetic location: 5q31.2.
Variant type: single nucleotide variant.
Coding change: c.1381T>C on transcript NM_001903.5 (MANE Select); coding-DNA position 1381, T replaced by C.
Protein change: p.Cys461Arg; replaces cysteine 461 with arginine.
Molecular consequence: missense variant. On other transcripts: 5 prime UTR variant (4), intron variant (3).
Genome position (GRCh38, 1-based): chr5:138,904,433, T>C. VCF-style: chr5-138904433-T-C. GRCh37 (hg19) VCF-style: chr5-138240122-T-C.
Other names: c.1381T>C, p.Cys461Arg (NM_001290307.3, NM_001323982.2, NM_001323983.1 and 2 more transcripts); c.1072T>C, p.Cys358Arg (NM_001290309.3); c.1012T>C, p.Cys338Arg (NM_001290310.3); c.271T>C, p.Cys91Arg (NM_001290312.1, NM_001323987.1, NM_001323988.1 and 17 more transcripts); c.-127T>C (NM_001324006.1, NM_001324007.1, NM_001324008.1 and 1 more transcripts); c.28T>C, p.Cys10Arg (NM_001324012.1, NM_001324013.1); c.1297-13309T>C (NM_001323986.2); c.187-13309T>C (NM_001324011.1); and 1 more; short protein forms C338R, C91R, C10R, C358R, C461R.
Identifiers: ClinVar variation 1771306 (VCV001771306.2), dbSNP rs2533354677, ClinGen allele CA361136040.
Genomic context (GRCh38, chr5:138,904,433, plus strand): 5'-TCAAATAATGAAGAAGGTGTAAAGCTTGTTCGAATGTCTGCAAGCCAGTTAGAAGCCCTC[T>C]GTCCTCAGGTAAAGTACAACTGACACTGGTGACAGCATAACCAAATTAAATTTTGATTCA-3'
Protein context (NP_001894.2, residues 451-471): RMSASQLEAL[Cys461Arg]PQVINAALAL